The following is an entry in ClinVar:

ClinVar aggregate classification (germline): Uncertain significance (1 of 4 stars; one submission).

Conditions:
Hereditary pancreatitis (PCTT). Also called: Hereditary chronic pancreatitis; PRSS1-Related Hereditary Pancreatitis. Identifiers: Orphanet 676, MedGen C0238339, MONDO:0008185, OMIM 167800.

Submission:

Ambry Genetics
Classification: Uncertain significance for Hereditary pancreatitis. Last evaluated: 2026-05-04. Review status: criteria provided, single submitter. Criteria: Ambry Variant Classification Scheme 2023. Collection method: clinical testing. Allele origin: germline.
Comment: The p.N25T variant (also known as c.74A>C), located in coding exon 2 of the CTRC gene, results from an A to C substitution at nucleotide position 74. The asparagine at codon 25 is replaced by threonine, an amino acid with similar properties. This amino acid position is conserved. In addition, this alteration is predicted to be tolerated by in silico analysis. Based on the available evidence, the clinical significance of this variant remains unclear.

NM_007272.3(CTRC):c.74A>C (p.Asn25Thr)

Gene: CTRC (chymotrypsin C; plus strand). Cytogenetic location: 1p36.21.
Variant type: single nucleotide variant.
Coding change: c.74A>C on transcript NM_007272.3 (MANE Select); coding-DNA position 74, A replaced by C.
Protein change: p.Asn25Thr; replaces asparagine 25 with threonine.
Molecular consequence: missense variant.
Genome position (GRCh38, 1-based): chr1:15,440,333, A>C. VCF-style: chr1-15440333-A-C. GRCh37 (hg19) VCF-style: chr1-15766829-A-C.
Other names: short protein forms N25T.
Identifiers: ClinVar variation 4869534 (VCV004869534.1).